The following is an entry in ClinVar:

ClinVar aggregate classification (germline): Benign. Review status: criteria provided, multiple submitters, no conflicts (2 of 4 stars). 5 submissions from 5 submitters: Benign (5). Last evaluated 2026-02-04.

Conditions:
Cone-rod dystrophy 19 (CORD19). Identifiers: Orphanet 1872, MedGen C4014501, MONDO:0014372, OMIM 615860.

Allele frequency attached by ClinVar (database versions not stated): 1000 Genomes Project 30x 0.38413; 1000 Genomes Project 0.39437; TOPMed 0.46531; ESP Exome Variant Server 0.47678; gnomAD 0.48575 and 0.48841; ExAC 0.57424; gnomAD exomes 0.57875 and 0.62517.
gnomAD v4.1: 983,770 of 1,610,782 alleles (61%); highest among the groups gnomAD compares: Non-Finnish European, 65%; 314,499 homozygotes.

Submissions (5):

Labcorp Genetics (formerly Invitae), Labcorp
Classification: Benign. Last evaluated: 2026-02-04. Review status: criteria provided, single submitter. Criteria: Invitae Variant Classification Sherloc (09022015). Collection method: clinical testing. Allele origin: germline.

Blueprint Genetics
Classification: Benign. Last evaluated: 2024-11-28. Review status: criteria provided, single submitter. Criteria: ACMG Guidelines, 2015. Collection method: clinical testing. Allele origin: germline.

Genome-Nilou Lab
Classification: Benign for Cone-rod dystrophy 19. Last evaluated: 2021-09-10. Review status: criteria provided, single submitter. Criteria: ACMG Guidelines, 2015. Collection method: clinical testing. Allele origin: germline. Affected: no.

GeneDx
Classification: Benign. Last evaluated: 2018-04-26. Review status: criteria provided, single submitter. Criteria: GeneDx Variant Classification (06012015). Collection method: clinical testing. Allele origin: germline. Affected: yes.
Comment: This variant is considered likely benign or benign based on one or more of the following criteria: it is a conservative change, it occurs at a poorly conserved position in the protein, it is predicted to be benign by multiple in silico algorithms, and/or has population frequency not consistent with disease.

Breakthrough Genomics
Classification: Benign. Review status: criteria provided, single submitter. Criteria: ACMG Guidelines, 2015. Collection method: not provided. Allele origin: germline. Inheritance: Autosomal recessive inheritance. Affected: yes.

NM_015072.5(TTLL5):c.446C>T (p.Ala149Val)

Gene: TTLL5 (tubulin tyrosine ligase like 5; plus strand). Cytogenetic location: 14q24.3.
Variant type: single nucleotide variant.
Coding change: c.446C>T on transcript NM_015072.5 (MANE Select); coding-DNA position 446, C replaced by T.
Protein change: p.Ala149Val; replaces alanine 149 with valine.
Molecular consequence: missense variant.
Genome position (GRCh38, 1-based): chr14:75,690,266, C>T. VCF-style: chr14-75690266-C-T. GRCh37 (hg19) VCF-style: chr14-76156609-C-T.
Other names: short protein forms A149V.
Identifiers: ClinVar variation 677189 (VCV000677189.14), dbSNP rs2303345, ClinGen allele CA7278929.